The following is an entry in ClinVar:

ClinVar aggregate classification (germline): Uncertain significance. Review status: criteria provided, multiple submitters, no conflicts (2 of 4 stars). 3 submissions from 3 submitters: Uncertain significance (3). Last evaluated 2023-12-06.

Conditions:
Familial adenomatous polyposis 1 (FAP1). Also called: FAMILIAL ADENOMATOUS POLYPOSIS 1, ATTENUATED; POLYPOSIS, ADENOMATOUS INTESTINAL. Identifiers: MedGen C2713442, MONDO:0021056, OMIM 175100. Disease mechanism: loss of function.
Hereditary cancer-predisposing syndrome. Also called: Tumor predisposition; Hereditary Cancer Syndrome; Hereditary neoplastic syndrome; Neoplastic Syndromes, Hereditary. Identifiers: Orphanet 140162, MedGen C0027672, MeSH D009386, MONDO:0015356.

Submissions (3):

Ambry Genetics
Classification: Uncertain significance for Hereditary cancer-predisposing syndrome. Last evaluated: 2023-12-06. Review status: criteria provided, single submitter. Criteria: Ambry Variant Classification Scheme 2023. Collection method: clinical testing. Allele origin: germline.
Comment: The p.A1107S variant (also known as c.3319G>T), located in coding exon 15 of the APC gene, results from a G to T substitution at nucleotide position 3319. The alanine at codon 1107 is replaced by serine, an amino acid with similar properties. This amino acid position is not well conserved in available vertebrate species. In addition, in silico predictors for this gene do not accurately predict pathogenicity. Since supporting evidence is limited at this time, the clinical significance of this alteration remains unclear.

Labcorp Genetics (formerly Invitae), Labcorp
Classification: Uncertain significance for Familial adenomatous polyposis 1. Last evaluated: 2022-10-05. Review status: criteria provided, single submitter. Criteria: Invitae Variant Classification Sherloc (09022015). Collection method: clinical testing. Allele origin: germline.
Comment: In summary, the available evidence is currently insufficient to determine the role of this variant in disease. Therefore, it has been classified as a Variant of Uncertain Significance. Advanced modeling of protein sequence and biophysical properties (such as structural, functional, and spatial information, amino acid conservation, physicochemical variation, residue mobility, and thermodynamic stability) performed at Invitae indicates that this missense variant is not expected to disrupt APC protein function. ClinVar contains an entry for this variant (Variation ID: 411388). This variant has not been reported in the literature in individuals affected with APC-related conditions. This variant is not present in population databases (gnomAD no frequency). This sequence change replaces alanine, which is neutral and non-polar, with serine, which is neutral and polar, at codon 1107 of the APC protein (p.Ala1107Ser).

Mendelics
Classification: Uncertain significance for Familial adenomatous polyposis 1. Last evaluated: 2018-07-02. Review status: criteria provided, single submitter. Criteria: Mendelics Assertion Criteria 2017. Collection method: clinical testing. Allele origin: unknown.

NM_000038.6(APC):c.3319G>T (p.Ala1107Ser)

Gene: APC (APC regulator of Wnt signaling pathway; plus strand). Cytogenetic location: 5q22.2.
Variant type: single nucleotide variant.
Coding change: c.3319G>T on transcript NM_000038.6 (MANE Select); coding-DNA position 3319, G replaced by T.
Protein change: p.Ala1107Ser; replaces alanine 1107 with serine.
Molecular consequence: missense variant.
Genome position (GRCh38, 1-based): chr5:112,838,913, G>T. VCF-style: chr5-112838913-G-T. GRCh37 (hg19) VCF-style: chr5-112174610-G-T.
Other names: c.3319G>T, p.Ala1107Ser (NM_001127510.3, NM_001354895.2); c.3265G>T, p.Ala1089Ser (NM_001127511.3); c.3373G>T, p.Ala1125Ser (NM_001354896.2); c.3349G>T, p.Ala1117Ser (NM_001354897.2); c.3244G>T, p.Ala1082Ser (NM_001354898.2); c.3235G>T, p.Ala1079Ser (NM_001354899.2); c.3196G>T, p.Ala1066Ser (NM_001354900.2); c.3142G>T, p.Ala1048Ser (NM_001354901.2); and 5 more; short protein forms A1089S, A1107S, A1117S, A1125S, A824S, A1066S, A1082S, A1006S.
Identifiers: ClinVar variation 411388 (VCV000411388.16), dbSNP rs1060503283, ClinGen allele CA16028614.